The following is an entry in ClinVar:

NM_021939.4(FKBP10):c.1734C>T (p.Val578=)

Gene: FKBP10 (FKBP prolyl isomerase 10; plus strand). Cytogenetic location: 17q21.2.
Variant type: single nucleotide variant.
Coding change: c.1734C>T on transcript NM_021939.4 (MANE Select); coding-DNA position 1734, C replaced by T.
Protein change: p.Val578=; no amino-acid change (valine 578 retained).
Molecular consequence: synonymous variant.
Genome position (GRCh38, 1-based): chr17:41,822,393, C>T. VCF-style: chr17-41822393-C-T. GRCh37 (hg19) VCF-style: chr17-39978645-C-T.
Identifiers: ClinVar variation 515443 (VCV000515443.46), dbSNP rs115239900, ClinGen allele CA8566733.

ClinVar aggregate classification (germline): Benign/Likely benign. Review status: criteria provided, multiple submitters, no conflicts (2 of 4 stars). 8 submissions from 8 submitters: Benign (2); Likely benign (5). 1 of the submissions does not count toward it. Last evaluated 2026-01-28.

Conditions:
Osteogenesis imperfecta (OI). Identifiers: Orphanet 666, MedGen C0029434, MeSH D010013, MONDO:0019019.
FKBP10-related disorder. Also called: FKBP10-related condition.

Allele frequency attached by ClinVar (database versions not stated): gnomAD exomes 0.00021 and 0.00058; ExAC 0.00111; gnomAD 0.00233 and 0.00250; ESP Exome Variant Server 0.00254; TOPMed 0.00309; 1000 Genomes Project 0.00359; 1000 Genomes Project 30x 0.00468.
gnomAD v4.1: 720 of 1,607,200 alleles (0.045%); highest among the groups gnomAD compares: African/African-American, 0.78%; 6 homozygotes.

Submissions (8):

Labcorp Genetics (formerly Invitae), Labcorp
Classification: Benign. Last evaluated: 2026-01-28. Review status: criteria provided, single submitter. Criteria: Invitae Variant Classification Sherloc (09022015). Collection method: clinical testing. Allele origin: germline.

Blueprint Genetics
Classification: Likely benign. Last evaluated: 2024-07-06. Review status: criteria provided, single submitter. Criteria: ACMG Guidelines, 2015. Collection method: clinical testing. Allele origin: germline.

CeGaT Center for Human Genetics Tuebingen
Classification: Likely benign. Last evaluated: 2022-12-01. Review status: criteria provided, single submitter. Criteria: CeGaT Center For Human Genetics Tuebingen Variant Classification Criteria Version 2. Collection method: clinical testing. Allele origin: germline. Affected: yes. Observed: 1 variant allele.
Comment: FKBP10: BP4, BP7

ARUP Laboratories, Molecular Genetics and Genomics, ARUP Laboratories
Classification: Benign. Last evaluated: 2022-03-31. Review status: criteria provided, single submitter. Criteria: ARUP Molecular Germline Variant Investigation Process 2021. Collection method: clinical testing. Allele origin: germline.

GeneDx
Classification: Likely benign. Last evaluated: 2021-05-04. Review status: criteria provided, single submitter. Criteria: GeneDx Variant Classification Process June 2021. Collection method: clinical testing. Allele origin: germline. Affected: yes.

Genome Diagnostics Laboratory, The Hospital for Sick Children
Classification: Likely benign for Osteogenesis imperfecta. Last evaluated: 2021-03-03. Review status: criteria provided, single submitter. Criteria: ACMG Guidelines, 2015. Collection method: clinical testing. Allele origin: germline.

Breakthrough Genomics
Classification: Likely benign. Review status: criteria provided, single submitter. Criteria: ACMG Guidelines, 2015. Collection method: not provided. Allele origin: germline. Inheritance: Autosomal recessive inheritance. Affected: yes.

PreventionGenetics, part of Exact Sciences
Classification: Benign for FKBP10-related condition. Last evaluated: 2019-11-06. Review status: no assertion criteria provided. Collection method: clinical testing. Allele origin: germline. Not counted in ClinVar's aggregate classification.
Comment: This variant is classified as benign based on ACMG/AMP sequence variant interpretation guidelines (Richards et al. 2015 PMID: 25741868, with internal and published modifications).